The following is an entry in ClinVar:

ClinVar aggregate classification (germline): Likely benign. Review status: criteria provided, multiple submitters, no conflicts (2 of 4 stars). 2 submissions from 2 submitters: Likely benign (2). Last evaluated 2026-01-30.

Conditions:
GNB4-related disorder. Also called: GNB4-related condition.
Charcot-Marie-Tooth disease dominant intermediate F. Identifiers: Orphanet 352670, MedGen C4749463, MONDO:0014074, OMIM 615185.

Allele frequency attached by ClinVar (database versions not stated): TOPMed 0.00006; ExAC 0.00008; ESP Exome Variant Server 0.00008; gnomAD exomes 0.00009 and 0.00014; gnomAD 0.00011.
gnomAD v4.1: 222 of 1,606,010 alleles (0.014%); highest among the groups gnomAD compares: Non-Finnish European, 0.017%; no homozygotes.

Submissions (2):

Labcorp Genetics (formerly Invitae), Labcorp
Classification: Likely benign for Charcot-Marie-Tooth disease dominant intermediate F. Last evaluated: 2026-01-30. Review status: criteria provided, single submitter. Criteria: Invitae Variant Classification Sherloc (09022015). Collection method: clinical testing. Allele origin: germline.

PreventionGenetics, part of Exact Sciences
Classification: Likely benign for GNB4-related condition. Last evaluated: 2025-07-31. Review status: criteria provided, single submitter. Criteria: ACMG Guidelines, 2015. Collection method: clinical testing. Allele origin: germline.
Comment: This variant is classified as likely benign based on ACMG/AMP sequence variant interpretation guidelines (Richards et al. 2015 PMID: 25741868, with internal and published modifications).

NM_021629.4(GNB4):c.916+9A>G

Gene: GNB4 (G protein subunit beta 4; minus strand). Cytogenetic location: 3q26.33.
Variant type: single nucleotide variant.
Coding change: c.916+9A>G on transcript NM_021629.4 (MANE Select); 9 bases into the intron after coding-DNA position 916, A replaced by G.
Molecular consequence: intron variant.
Genome position (GRCh38, 1-based): chr3:179,405,181, T>C on the plus strand (A>G on the coding strand, the complement: GNB4 is on the minus strand). VCF-style: chr3-179405181-T-C. GRCh37 (hg19) VCF-style: chr3-179122969-T-C.
Identifiers: ClinVar variation 473895 (VCV000473895.12), dbSNP rs376068792, ClinGen allele CA2712390.